The following is an entry in ClinVar:

NM_004525.3(LRP2):c.6288C>T (p.Asn2096=)

Gene: LRP2 (LDL receptor related protein 2; minus strand). Cytogenetic location: 2q31.1.
Variant type: single nucleotide variant.
Coding change: c.6288C>T on transcript NM_004525.3 (MANE Select); coding-DNA position 6288, C replaced by T.
Protein change: p.Asn2096=; no amino-acid change (asparagine 2096 retained).
Molecular consequence: synonymous variant.
Genome position (GRCh38, 1-based): chr2:169,209,634, G>A on the plus strand (C>T on the coding strand, the complement: LRP2 is on the minus strand). VCF-style: chr2-169209634-G-A. GRCh37 (hg19) VCF-style: chr2-170066144-G-A.
Identifiers: ClinVar variation 894735 (VCV000894735.36), dbSNP rs748160339, ClinGen allele CA1954314.

ClinVar aggregate classification (germline): Conflicting classifications of pathogenicity. Review status: criteria provided, conflicting classifications (1 of 4 stars). 4 submissions from 4 submitters: Uncertain significance (1); Likely benign (3). Last evaluated 2026-01-30.

Conditions:
Donnai-Barrow syndrome. Also called: DBS/FOAR SYNDROME; FACIOOCULOACOUSTICORENAL SYNDROME. Identifiers: Orphanet 2143, MedGen C1857277, MONDO:0009104, OMIM 222448.

Allele frequency attached by ClinVar (database versions not stated): gnomAD 0.00003 and 0.00004; ExAC 0.00005; gnomAD exomes 0.00005 and 0.00006; TOPMed 0.00006.
gnomAD v4.1: 78 of 1,613,728 alleles (0.0048%); highest among the groups gnomAD compares: Middle Eastern, 0.066%; no homozygotes.

Submissions (4):

Labcorp Genetics (formerly Invitae), Labcorp
Classification: Likely benign. Last evaluated: 2026-01-30. Review status: criteria provided, single submitter. Criteria: Invitae Variant Classification Sherloc (09022015). Collection method: clinical testing. Allele origin: germline.

Blueprint Genetics
Classification: Likely benign. Last evaluated: 2024-01-12. Review status: criteria provided, single submitter. Criteria: ACMG Guidelines, 2015. Collection method: clinical testing. Allele origin: germline.

CeGaT Center for Human Genetics Tuebingen
Classification: Likely benign. Last evaluated: 2022-04-01. Review status: criteria provided, single submitter. Criteria: CeGaT Center For Human Genetics Tuebingen Variant Classification Criteria Version 2. Collection method: clinical testing. Allele origin: germline. Affected: yes. Observed: 1 variant allele.
Comment: LRP2: BP4, BP7

Illumina Laboratory Services, Illumina
Classification: Uncertain significance for Donnai-Barrow syndrome. Last evaluated: 2018-01-13. Review status: criteria provided, single submitter. Criteria: ICSL Variant Classification Criteria 13 December 2019. Collection method: clinical testing. Allele origin: germline.